The following is an entry in ClinVar:

ClinVar aggregate classification (germline): Uncertain significance (0 of 4 stars; one submission).

Conditions:
Prostate cancer. Also called: Malignant tumor of prostate. Identifiers: Orphanet 1331, MedGen C0376358, MONDO:0008315, HP:0012125.

Allele frequency attached by ClinVar (database versions not stated): TOPMed 0.00001; gnomAD 0.00001.
gnomAD v4.1: 1 of 1,609,350 alleles (0.000062%); highest among the groups gnomAD compares: Non-Finnish European, 0.000085%; no homozygotes.

Submission:

Science for Life laboratory,  Karolinska Institutet
Classification: Uncertain significance for Malignant tumor of prostate. Review status: no assertion criteria provided. Collection method: not provided. Allele origin: somatic.
Comment: TumorID:SWE-7
ClinVar note: Converted during submission from Unknown to Uncertain significance.

NM_015525.4(IBTK):c.3506A>T (p.Asn1169Ile)

Gene: IBTK (inhibitor of Bruton tyrosine kinase; minus strand). Cytogenetic location: 6q14.1.
Variant type: single nucleotide variant.
Coding change: c.3506A>T on transcript NM_015525.4 (MANE Select); coding-DNA position 3506, A replaced by T.
Protein change: p.Asn1169Ile; replaces asparagine 1169 with isoleucine.
Molecular consequence: missense variant.
Genome position (GRCh38, 1-based): chr6:82,191,142, T>A on the plus strand (A>T on the coding strand, the complement: IBTK is on the minus strand). VCF-style: chr6-82191142-T-A. GRCh37 (hg19) VCF-style: chr6-82900859-T-A.
Other names: c.3461A>T, p.Asn1154Ile (NM_001300906.2); short protein forms N1169I, N1154I.
Identifiers: ClinVar variation 161695 (VCV000161695.2), dbSNP rs193921029, ClinGen allele CA174612.